The following is an entry in ClinVar:

NM_001322059.2(PDE1C):c.148C>T (p.Arg50Trp)

Gene: PDE1C (phosphodiesterase 1C; minus strand). Cytogenetic location: 7p14.3.
Variant type: single nucleotide variant.
Coding change: c.148C>T on transcript NM_001322059.2; coding-DNA position 148, C replaced by T.
Protein change: p.Arg50Trp; replaces arginine 50 with tryptophan.
Molecular consequence: missense variant.
Genome position (GRCh38, 1-based): chr7:32,427,984, G>A on the plus strand (C>T on the coding strand, the complement: PDE1C is on the minus strand). VCF-style: chr7-32427984-G-A. GRCh37 (hg19) VCF-style: chr7-32467596-G-A.
Other names: short protein forms R50W.
Identifiers: ClinVar variation 4984345 (VCV004984345.1).

ClinVar aggregate classification (germline): Likely benign (1 of 4 stars; one submission).

Conditions:
PDE1C-related disorder. Also called: PDE1C-related condition.

gnomAD v4.1: 27 of 152,384 alleles (0.018%); highest among the groups gnomAD compares: Admixed American, 0.12%; no homozygotes.

Submission:

PreventionGenetics, part of Exact Sciences
Classification: Likely benign for PDE1C-related condition. Last evaluated: 2025-11-07. Review status: criteria provided, single submitter. Criteria: ACMG Guidelines, 2015. Collection method: clinical testing. Allele origin: germline.
Comment: This variant is classified as likely benign based on ACMG/AMP sequence variant interpretation guidelines (Richards et al. 2015 PMID: 25741868, with internal and published modifications).